The following is an entry in ClinVar:

ClinVar aggregate classification (germline): Uncertain significance (1 of 4 stars; one submission).

gnomAD v4.1: 243 of 1,613,098 alleles (0.015%); highest among the groups gnomAD compares: African/African-American, 0.29%; 1 homozygote.

Submission:

GeneDx
Classification: Uncertain significance. Last evaluated: 2024-07-21. Review status: criteria provided, single submitter. Criteria: GeneDx Variant Classification Process June 2021. Collection method: clinical testing. Allele origin: germline. Affected: yes.
Comment: In silico analysis supports that this missense variant has a deleterious effect on protein structure/function; Has not been previously published as pathogenic or benign to our knowledge

NM_020314.7(VPS35L):c.1360T>C (p.Cys454Arg)

Gene: VPS35L (VPS35 endosomal protein sorting factor like; plus strand). Cytogenetic location: 16p12.3.
Variant type: single nucleotide variant.
Coding change: c.1360T>C on transcript NM_020314.7 (MANE Select); coding-DNA position 1360, T replaced by C.
Protein change: p.Cys454Arg; replaces cysteine 454 with arginine.
Molecular consequence: missense variant. On other transcripts: non-coding transcript variant (2).
Genome position (GRCh38, 1-based): chr16:19,627,782, T>C. VCF-style: chr16-19627782-T-C. GRCh37 (hg19) VCF-style: chr16-19639104-T-C.
Other names: c.1159T>C, p.Cys387Arg (NM_001300743.3, NM_001365294.2); c.1360T>C, p.Cys454Arg (NM_001365293.2); c.472T>C, p.Cys158Arg (NM_001365295.2); short protein forms C158R, C387R, C454R.
Identifiers: ClinVar variation 3600888 (VCV003600888.1).
Genomic context (GRCh38, chr16:19,627,782, plus strand): 5'-GCCTTCCGGGCTGAGTTCATCGCCACAAGGTCTATGGATTTCATTGGCATGATTAAAGAG[T>C]GTGATGAATCTGGTTTCCCCAAGGTAGGCTCTTGACTTCATGCTCAGTAGGACACAAATA-3'
Protein context (NP_064710.5, residues 444-464): SMDFIGMIKE[Cys454Arg]DESGFPKHLL